The following is an entry in ClinVar:

ClinVar aggregate classification (germline): Uncertain significance (1 of 4 stars; one submission).

Conditions:
Inborn genetic diseases. Identifiers: MedGen C0950123, MeSH D030342.

gnomAD v4.1: 3 of 1,614,146 alleles (0.00019%); highest among the groups gnomAD compares: South Asian, 0.0033%; no homozygotes.

Submission:

Ambry Genetics
Classification: Uncertain significance for Inborn genetic diseases. Last evaluated: 2025-05-02. Review status: criteria provided, single submitter. Criteria: Ambry Variant Classification Scheme 2023. Collection method: clinical testing. Allele origin: germline.
Comment: The p.G74V variant (also known as c.221G>T), located in coding exon 1 of the FANCM gene, results from a G to T substitution at nucleotide position 221. The glycine at codon 74 is replaced by valine, an amino acid with dissimilar properties. This amino acid position is conserved. In addition, the in silico prediction for this alteration is inconclusive. Based on the available evidence, the clinical significance of this variant remains unclear.

NM_020937.4(FANCM):c.221G>T (p.Gly74Val)

Gene: FANCM (FA complementation group M; plus strand). Cytogenetic location: 14q21.2.
Variant type: single nucleotide variant.
Coding change: c.221G>T on transcript NM_020937.4 (MANE Select); coding-DNA position 221, G replaced by T.
Protein change: p.Gly74Val; replaces glycine 74 with valine.
Molecular consequence: missense variant.
Genome position (GRCh38, 1-based): chr14:45,136,252, G>T. VCF-style: chr14-45136252-G-T. GRCh37 (hg19) VCF-style: chr14-45605455-G-T.
Other names: c.221G>T, p.Gly74Val (NM_001308133.2, NM_001308134.2); short protein forms G74V.
Identifiers: ClinVar variation 4022738 (VCV004022738.1).
Genomic context (GRCh38, chr14:45,136,252, plus strand): 5'-ATGATGTGTTGCTTGTCGCGGCGTACGAGGCTGAGCGGCAGTTGTGTCTAGAGAATGGCG[G>T]GTTCTGCACCTCCGCGGGCGCCCTGTGGATTTACCCTACCAATTGCCCAGTGCGGGACTA-3'
Protein context (NP_065988.1, residues 64-84): AERQLCLENG[Gly74Val]FCTSAGALWI